The following is an entry in ClinVar:

NM_004408.4(DNM1):c.1772C>T (p.Thr591Met)

Gene: DNM1 (dynamin 1; plus strand). Cytogenetic location: 9q34.11.
Variant type: single nucleotide variant.
Coding change: c.1772C>T on transcript NM_004408.4 (MANE Select); coding-DNA position 1772, C replaced by T.
Protein change: p.Thr591Met; replaces threonine 591 with methionine.
Molecular consequence: missense variant.
Genome position (GRCh38, 1-based): chr9:128,246,494, C>T. VCF-style: chr9-128246494-C-T. GRCh37 (hg19) VCF-style: chr9-131008773-C-T.
Other names: c.1772C>T, p.Thr591Met (NM_001005336.3, NM_001288737.2, NM_001288738.2 and 1 more transcripts); short protein forms T591M.
Identifiers: ClinVar variation 476062 (VCV000476062.35), dbSNP rs772239774, ClinGen allele CA5258329.

ClinVar aggregate classification (germline): Likely benign. Review status: criteria provided, multiple submitters, no conflicts (2 of 4 stars). 4 submissions from 4 submitters: Likely benign (4). Last evaluated 2025-11-23.

Conditions:
Developmental and epileptic encephalopathy, 31A. Also called: Epileptic encephalopathy, early infantile, 31; Developmental and epileptic encephalopathy, 31. Identifiers: Orphanet 2382, MedGen C4225357, MONDO:0014598, OMIM 616346.

Allele frequency attached by ClinVar (database versions not stated): ExAC 0.00007; gnomAD 0.00007; gnomAD exomes 0.00007 and 0.00008; TOPMed 0.00007.
gnomAD v4.1: 118 of 1,613,554 alleles (0.0073%); highest among the groups gnomAD compares: Non-Finnish European, 0.009%; no homozygotes.

Submissions (4):

Labcorp Genetics (formerly Invitae), Labcorp
Classification: Likely benign for Developmental and epileptic encephalopathy, 31A. Last evaluated: 2025-11-23. Review status: criteria provided, single submitter. Criteria: Invitae Variant Classification Sherloc (09022015). Collection method: clinical testing. Allele origin: germline.

CeGaT Center for Human Genetics Tuebingen
Classification: Likely benign. Last evaluated: 2023-12-01. Review status: criteria provided, single submitter. Criteria: CeGaT Center For Human Genetics Tuebingen Variant Classification Criteria Version 2. Collection method: clinical testing. Allele origin: germline. Affected: yes. Observed: 1 variant allele.
Comment: DNM1: PP2, PP3, BS1

GeneDx
Classification: Likely benign. Last evaluated: 2018-02-20. Review status: criteria provided, single submitter. Criteria: GeneDx Variant Classification (06012015). Collection method: clinical testing. Allele origin: germline. Affected: yes.
Comment: This variant is considered likely benign or benign based on one or more of the following criteria: it is a conservative change, it occurs at a poorly conserved position in the protein, it is predicted to be benign by multiple in silico algorithms, and/or has population frequency not consistent with disease.

Breakthrough Genomics
Classification: Likely benign. Review status: criteria provided, single submitter. Criteria: ACMG Guidelines, 2015. Collection method: not provided. Allele origin: germline. Inheritance: Autosomal dominant inheritance. Affected: yes.